The following is an entry in ClinVar:

ClinVar aggregate classification (germline): Uncertain significance (1 of 4 stars; one submission).

Conditions:
Congenital disorder of deglycosylation (CDDG). Identifiers: MedGen C3808991, MONDO:0031376.

Submission:

Labcorp Genetics (formerly Invitae), Labcorp
Classification: Uncertain significance for Congenital disorder of deglycosylation. Last evaluated: 2022-03-06. Review status: criteria provided, single submitter. Criteria: Invitae Variant Classification Sherloc (09022015). Collection method: clinical testing. Allele origin: germline.
Comment: This variant has not been reported in the literature in individuals affected with NGLY1-related conditions. In summary, the available evidence is currently insufficient to determine the role of this variant in disease. Therefore, it has been classified as a Variant of Uncertain Significance. Algorithms developed to predict the effect of missense changes on protein structure and function (SIFT, PolyPhen-2, Align-GVGD) all suggest that this variant is likely to be disruptive. This variant is not present in population databases (gnomAD no frequency). This sequence change replaces histidine, which is basic and polar, with arginine, which is basic and polar, at codon 351 of the NGLY1 protein (p.His351Arg).

NM_018297.4(NGLY1):c.1052A>G (p.His351Arg)

Gene: NGLY1 (N-glycanase 1; minus strand). Cytogenetic location: 3p24.2.
Variant type: single nucleotide variant.
Coding change: c.1052A>G on transcript NM_018297.4 (MANE Select); coding-DNA position 1052, A replaced by G.
Protein change: p.His351Arg; replaces histidine 351 with arginine.
Molecular consequence: missense variant. On other transcripts: intron variant (1).
Genome position (GRCh38, 1-based): chr3:25,736,101, T>C on the plus strand (A>G on the coding strand, the complement: NGLY1 is on the minus strand). VCF-style: chr3-25736101-T-C. GRCh37 (hg19) VCF-style: chr3-25777592-T-C.
Other names: c.926A>G, p.His309Arg (NM_001145294.2); c.1052A>G, p.His351Arg (NM_001145295.2); c.1095+208A>G (NM_001145293.2); short protein forms H309R, H351R.
Identifiers: ClinVar variation 2107493 (VCV002107493.4), dbSNP rs2470536490, ClinGen allele CA351900943.